The following is an entry in ClinVar:

NM_032119.4(ADGRV1):c.12535C>T (p.Arg4179Ter)

Gene: ADGRV1 (adhesion G protein-coupled receptor V1; plus strand). Cytogenetic location: 5q14.3.
Variant type: single nucleotide variant.
Coding change: c.12535C>T on transcript NM_032119.4 (MANE Select); coding-DNA position 12535, C replaced by T.
Protein change: p.Arg4179Ter; replaces arginine 4179 with a stop codon.
Molecular consequence: nonsense. On other transcripts: non-coding transcript variant (1).
Genome position (GRCh38, 1-based): chr5:90,777,912, C>T. VCF-style: chr5-90777912-C-T. GRCh37 (hg19) VCF-style: chr5-90073729-C-T.
Other names: short protein forms R4179*.
Identifiers: ClinVar variation 1395218 (VCV001395218.6), dbSNP rs1554112848, ClinGen allele CA360386933.

ClinVar aggregate classification (germline): Pathogenic (1 of 4 stars; one submission).

Allele frequency attached by ClinVar (database versions not stated): gnomAD exomes below 0.00001; gnomAD 0.00001; TOPMed 0.00001.
gnomAD v4.1: 4 of 1,609,364 alleles (0.00025%); highest among the groups gnomAD compares: South Asian, 0.0022%; no homozygotes.

Submission:

Labcorp Genetics (formerly Invitae), Labcorp
Classification: Pathogenic. Last evaluated: 2024-06-05. Review status: criteria provided, single submitter. Criteria: Invitae Variant Classification Sherloc (09022015). Collection method: clinical testing. Allele origin: germline.
Comment: This sequence change creates a premature translational stop signal (p.Arg4179*) in the ADGRV1 gene. It is expected to result in an absent or disrupted protein product. Loss-of-function variants in ADGRV1 are known to be pathogenic (PMID: 19357117, 22135276, 22147658, 26226137, 30718709, 31047384, 32467589). This variant is not present in population databases (gnomAD no frequency). This variant has not been reported in the literature in individuals affected with ADGRV1-related conditions. ClinVar contains an entry for this variant (Variation ID: 1395218). Algorithms developed to predict the effect of sequence changes on RNA splicing suggest that this variant may disrupt the consensus splice site. For these reasons, this variant has been classified as Pathogenic.

Literature cited by the submitters: PubMed 19357117; PubMed 22135276; PubMed 22147658; PubMed 26226137; PubMed 30718709; PubMed 31047384; PubMed 32467589.